The following is an entry in ClinVar:

ClinVar aggregate classification (germline): Uncertain significance. Review status: criteria provided, multiple submitters, no conflicts (2 of 4 stars). 2 submissions from 2 submitters: Uncertain significance (2). Last evaluated 2025-12-19.

Conditions:
RYR1-related disorder. Also called: RYR1-related disorders; RYR1-related condition. Identifiers: MedGen CN239331.

Submissions (2):

Labcorp Genetics (formerly Invitae), Labcorp
Classification: Uncertain significance for RYR1-related disorder. Last evaluated: 2025-12-19. Review status: criteria provided, single submitter. Criteria: Invitae Variant Classification Sherloc (09022015). Collection method: clinical testing. Allele origin: germline.
Comment: This sequence change replaces methionine, which is neutral and non-polar, with threonine, which is neutral and polar, at codon 3638 of the RYR1 protein (p.Met3638Thr). This variant is not present in population databases (gnomAD no frequency). This variant has not been reported in the literature in individuals affected with RYR1-related conditions. ClinVar contains an entry for this variant (Variation ID: 847452). Invitae Evidence Modeling of protein sequence and biophysical properties (such as structural, functional, and spatial information, amino acid conservation, physicochemical variation, residue mobility, and thermodynamic stability) indicates that this missense variant is expected to disrupt RYR1 protein function with a positive predictive value of 80%. In summary, the available evidence is currently insufficient to determine the role of this variant in disease. Therefore, it has been classified as a Variant of Uncertain Significance.

GeneDx
Classification: Uncertain significance. Last evaluated: 2024-12-08. Review status: criteria provided, single submitter. Criteria: GeneDx Variant Classification Process June 2021. Collection method: clinical testing. Allele origin: germline. Affected: yes.
Comment: Not observed at significant frequency in large population cohorts (gnomAD); In silico analysis supports that this missense variant has a deleterious effect on protein structure/function; Has not been previously published as pathogenic or benign to our knowledge

NM_000540.3(RYR1):c.10913T>C (p.Met3638Thr)

Gene: RYR1 (ryanodine receptor 1; plus strand). Cytogenetic location: 19q13.2.
Variant type: single nucleotide variant.
Coding change: c.10913T>C on transcript NM_000540.3 (MANE Select); coding-DNA position 10913, T replaced by C.
Protein change: p.Met3638Thr; replaces methionine 3638 with threonine.
Molecular consequence: missense variant.
Genome position (GRCh38, 1-based): chr19:38,528,394, T>C. VCF-style: chr19-38528394-T-C. GRCh37 (hg19) VCF-style: chr19-39019034-T-C.
Other names: c.10898T>C, p.Met3633Thr (NM_001042723.2); short protein forms M3633T, M3638T.
Identifiers: ClinVar variation 847452 (VCV000847452.7), dbSNP rs1971575070, ClinGen allele CA405649608.